The following is an entry in ClinVar:

NM_001042492.3(NF1):c.23_27del (p.Glu8fs)

Genes: MIR4733HG (MIR4733 host gene; minus strand), NF1 (neurofibromin 1; plus strand), LOC111811965 (NF1 (neurofibromin 1) promoter region; plus strand). Cytogenetic location: 17q11.2.
Variant type: Deletion.
Coding change: c.23_27del on transcript NM_001042492.3 (MANE Select); coding-DNA positions 23 to 27, 5 bases deleted (AATGG; older notation c.23_27delAATGG).
Protein change: p.Glu8fs; shifts the reading frame from glutamic acid 8.
Molecular consequence: frameshift variant. On other transcripts: non-coding transcript variant (1).
Genome position (GRCh38, 1-based): chr17:31,095,332-31,095,336, AATGG deleted; deleting any 5 consecutive bases within chr17:31,095,329-31,095,336 gives the same sequence; the c. name uses the placement nearest the transcript's 3' end. VCF-style (leftmost placement, unchanged base first): chr17-31095328-GTGGAA-G. GRCh37 (hg19) VCF-style: chr17-29422346-GTGGAA-G.
Other names: c.23_27delAATGG, p.Glu8Glyfs (NM_000267.4); c.23_27del, p.Glu8fs (NM_001128147.3); short protein forms E8fs.
Identifiers: ClinVar variation 3662320 (VCV003662320.2).

ClinVar aggregate classification (germline): Pathogenic (1 of 4 stars; one submission).

Conditions:
Neurofibromatosis, type 1 (NF1). Also called: Peripheral type neurofibromatosis; VON RECKLINGHAUSEN DISEASE; NEUROFIBROMATOSIS, TYPE I, SOMATIC; Neurofibromatosis, type I. Identifiers: Orphanet 636, MedGen C0027831, MONDO:0018975, OMIM 162200. Disease mechanism: loss of function.

Submission:

Labcorp Genetics (formerly Invitae), Labcorp
Classification: Pathogenic for Neurofibromatosis, type 1. Last evaluated: 2024-08-14. Review status: criteria provided, single submitter. Criteria: Invitae Variant Classification Sherloc (09022015). Collection method: clinical testing. Allele origin: germline.
Comment: This sequence change creates a premature translational stop signal (p.Glu8Glyfs*28) in the NF1 gene. It is expected to result in an absent or disrupted protein product. Loss-of-function variants in NF1 are known to be pathogenic (PMID: 10712197, 23913538). This variant is not present in population databases (gnomAD no frequency). This variant has not been reported in the literature in individuals affected with NF1-related conditions. For these reasons, this variant has been classified as Pathogenic.

Literature cited by the submitters: PubMed 10712197; PubMed 23913538.